The following is an entry in ClinVar:

ClinVar aggregate classification (germline): Conflicting classifications of pathogenicity. Review status: criteria provided, conflicting classifications (1 of 4 stars). 2 submissions from 2 submitters: Uncertain significance (1); Likely benign (1). Last evaluated 2021-07-28.

Conditions:
Developmental and epileptic encephalopathy, 2 (DEE2). Also called: INFANTILE SPASM SYNDROME, X-LINKED 2; CDKL5 deficiency disorder. Identifiers: Orphanet 1934, Orphanet 3451, Orphanet 505652, MedGen C4750718, MONDO:0010396, OMIM 300672.
Angelman syndrome-like. Identifiers: MedGen CN128785.

Submissions (2):

Labcorp Genetics (formerly Invitae), Labcorp
Classification: Likely benign for Developmental and epileptic encephalopathy, 2; Angelman syndrome-like. Last evaluated: 2021-07-28. Review status: criteria provided, single submitter. Criteria: Invitae Variant Classification Sherloc (09022015). Collection method: clinical testing. Allele origin: germline.

GeneDx
Classification: Uncertain significance. Last evaluated: 2021-03-12. Review status: criteria provided, single submitter. Criteria: GeneDx Variant Classification Process June 2021. Collection method: clinical testing. Allele origin: germline. Affected: yes.
Comment: Not observed in large population cohorts (Lek et al., 2016); In silico analysis supports a deleterious effect on splicing; Has not been previously published as pathogenic or benign to our knowledge

NM_001323289.2(CDKL5):c.2277-13T>A

Gene: CDKL5 (cyclin dependent kinase like 5; plus strand). Cytogenetic location: Xp22.13.
Variant type: single nucleotide variant.
Coding change: c.2277-13T>A on transcript NM_001323289.2 (MANE Select); 13 bases into the intron before coding-DNA position 2277, T replaced by A.
Molecular consequence: intron variant.
Genome position (GRCh38, 1-based): chrX:18,619,854, T>A. VCF-style: chrX-18619854-T-A. GRCh37 (hg19) VCF-style: chrX-18637974-T-A.
Other names: c.2277-13T>A (NM_003159.3, NM_001037343.2).
Identifiers: ClinVar variation 1204967 (VCV001204967.11), dbSNP rs1413641177, ClinGen allele CA2499226525.